The following is an entry in ClinVar:

NM_001190.4(BCAT2):c.143A>T (p.Lys48Met)

Gene: BCAT2 (branched chain amino acid transaminase 2; minus strand). Cytogenetic location: 19q13.33.
Variant type: single nucleotide variant.
Coding change: c.143A>T on transcript NM_001190.4 (MANE Select); coding-DNA position 143, A replaced by T.
Protein change: p.Lys48Met; replaces lysine 48 with methionine.
Molecular consequence: missense variant. On other transcripts: intron variant (1).
Genome position (GRCh38, 1-based): chr19:48,806,674, T>A on the plus strand (A>T on the coding strand, the complement: BCAT2 is on the minus strand). VCF-style: chr19-48806674-T-A. GRCh37 (hg19) VCF-style: chr19-49309931-T-A.
Other names: c.23A>T, p.Lys8Met (NM_001284325.2); c.24+4310A>T (NM_001164773.2); short protein forms K48M, K8M.
Identifiers: ClinVar variation 3572643 (VCV003572643.3).

ClinVar aggregate classification (germline): Uncertain significance. Review status: criteria provided, multiple submitters, no conflicts (2 of 4 stars). 2 submissions from 2 submitters: Uncertain significance (2). Last evaluated 2024-11-21.

gnomAD v4.1: 11 of 1,613,682 alleles (0.00068%); highest among the groups gnomAD compares: Admixed American, 0.015%; no homozygotes.

Submissions (2):

Labcorp Genetics (formerly Invitae), Labcorp
Classification: Uncertain significance. Last evaluated: 2024-11-21. Review status: criteria provided, single submitter. Criteria: Invitae Variant Classification Sherloc (09022015). Collection method: clinical testing. Allele origin: germline.
Comment: This sequence change replaces lysine, which is basic and polar, with methionine, which is neutral and non-polar, at codon 48 of the BCAT2 protein (p.Lys48Met). This variant is present in population databases (no rsID available, gnomAD 0.01%). This variant has not been reported in the literature in individuals affected with BCAT2-related conditions. An algorithm developed to predict the effect of missense changes on protein structure and function (PolyPhen-2) suggests that this variant is likely to be disruptive. In summary, the available evidence is currently insufficient to determine the role of this variant in disease. Therefore, it has been classified as a Variant of Uncertain Significance.

GeneDx
Classification: Uncertain significance. Last evaluated: 2024-07-08. Review status: criteria provided, single submitter. Criteria: GeneDx Variant Classification Process June 2021. Collection method: clinical testing. Allele origin: germline. Affected: yes.
Comment: In silico analysis supports that this missense variant has a deleterious effect on protein structure/function; Has not been previously published as pathogenic or benign to our knowledge